The following is an entry in ClinVar:

NM_201253.3(CRB1):c.948T>G (p.Cys316Trp)

Gene: CRB1 (crumbs cell polarity complex component 1; plus strand). Cytogenetic location: 1q31.3.
Variant type: single nucleotide variant.
Coding change: c.948T>G on transcript NM_201253.3 (MANE Select); coding-DNA position 948, T replaced by G.
Protein change: p.Cys316Trp; replaces cysteine 316 with tryptophan.
Molecular consequence: missense variant. On other transcripts: non-coding transcript variant (2), intron variant (1).
Genome position (GRCh38, 1-based): chr1:197,347,439, T>G. VCF-style: chr1-197347439-T-G. GRCh37 (hg19) VCF-style: chr1-197316569-T-G.
Other names: c.741T>G, p.Cys247Trp (NM_001257965.2); c.948T>G, p.Cys316Trp (NM_001257966.2); c.653-9392T>G (NM_001193640.2); short protein forms C247W, C316W.
Identifiers: ClinVar variation 3387764 (VCV003387764.2).

ClinVar aggregate classification (germline): Uncertain significance (1 of 4 stars; one submission).

Conditions:
Retinitis pigmentosa (RP). Identifiers: Orphanet 791, MedGen C0035334, MeSH D012174, MONDO:0019200, OMIM 268000. Inheritance: Autosomal dominant, autosomal recessive and X linked inheritance.

Submission:

SN ONGC Dept of Genetics and Molecular biology Vision Research Foundation
Classification: Uncertain significance for Retinitis pigmentosa. Last evaluated: 2024-12-10. Review status: criteria provided, single submitter. Criteria: ACMG Guidelines, 2015. Collection method: research. Allele origin: unknown. Inheritance: Autosomal recessive inheritance. Affected: yes. Observed: 1 compound heterozygote.
Comment: The c.948T>G variant in CRB1 reported in one family in heterozygous state along with another variant c.2676+2T>G also in heterozygous state likely to be an compound heterozygous inheritance. This variant not reported in ExAC nor in 1000Genome. This variant was absent in 100 healthy controls screened. Due to lack of literature and functional studies the identified variant is classified as Variant of uncertain significance